The following continues an entry in ClinVar:

NM_000372.5(TYR):c.242C>T (p.Pro81Leu)

Gene: TYR. ClinVar aggregate classification (germline): Pathogenic. Pathogenic (19).

Submissions 12 to 22 of 22:

Molecular Genetics, Royal Melbourne Hospital
Classification: Pathogenic for Oculocutaneous albinism type 1. Last evaluated: 2023-04-11. Review status: criteria provided, single submitter. Criteria: ACMG Guidelines, 2015. Collection method: clinical testing. Allele origin: germline. Affected: yes.
Comment: This sequence change in TYR is predicted to replace proline with leucine at codon 81, p.(Pro81Leu). The proline residue is highly conserved (98/98 vertebrates, UCSC), and is located in the lumenal melanosome domain. There is a moderate physicochemical difference between proline and leucine. The highest population minor allele frequency in the population database gnomAD v2.1 is 0.02% (22/128,894 alleles) in the European (non-Finnish) population, which is consistent with recessive disease. This variant is a commonly reported pathogenic variant and has been detected in multiple individuals with oculocutaneous albinism in the homozygous state and compound heterozygous with a second pathogenic variant in the gene (PMID: 8434585, 28451379). Multiple lines of computational evidence predict a deleterious effect for the missense substitution (6/6 algorithms). Based on the classification scheme RMH Modified ACMG Guidelines v1.5.1, this variant is classified as PATHOGENIC. Following criteria are met: PM3_VeryStrong, PM2_Supporting, PP3.

Mendelics
Classification: Pathogenic for Oculocutaneous albinism type 1A. Last evaluated: 2022-05-04. Review status: criteria provided, single submitter. Criteria: Mendelics Assertion Criteria 2019. Collection method: clinical testing. Allele origin: germline.

Fulgent Genetics
Classification: Pathogenic for Oculocutaneous albinism type 1A; SKIN/HAIR/EYE PIGMENTATION 3, LIGHT/DARK SKIN; Oculocutaneous albinism type 1B. Last evaluated: 2021-11-04. Review status: criteria provided, single submitter. Criteria: ACMG Guidelines, 2015. Collection method: clinical testing. Allele origin: unknown.

Genome-Nilou Lab
Classification: Pathogenic for Oculocutaneous albinism type 1A. Last evaluated: 2021-07-22. Review status: criteria provided, single submitter. Criteria: ACMG Guidelines, 2015. Collection method: clinical testing. Allele origin: germline. Affected: no.

Illumina Laboratory Services, Illumina
Classification: Pathogenic for Oculocutaneous albinism type 1B. Last evaluated: 2019-10-31. Review status: criteria provided, single submitter. Criteria: ICSLVariantClassificationCriteria RUGD 01 April 2020. Collection method: clinical testing. Allele origin: unknown.
Comment: Across a selection of the available literature, the TYR c.242C>T (p.Pro81Leu) missense variant has been identified a total of 31 individuals with oculocutaneous albinism type 1, including in three individuals in a homozygous state, in seven individuals in a compound heterozygous state, and in 14 individuals in an assumed compund heterozygous state (Oetting et al. 1991; Giebel et al. 1991; Hutton et al. 2008; King et al. 2013; Goa et al. 2017). The p.Pro81Leu variant was absent from 33 control subjects but is reported at a frequency of 0.000171 in the European (non-Finnish) population of the Genome Aggregation Database. Based on the collective evidence and the application of the ACMG criteria, the p.Pro81Leu variant is classified as pathogenic for oculocutaneous albinism type 1.

Laboratory for Molecular Medicine, Mass General Brigham Personalized Medicine
Classification: Pathogenic for Oculocutaneous albinism. Last evaluated: 2017-03-28. Review status: criteria provided, single submitter. Criteria: LMM Criteria. Collection method: clinical testing. Allele origin: germline. Inheritance: Autosomal recessive inheritance. Observed: 1 variant allele.
Comment: The p.Pro81Leu (NM_000372.4 c.242C>T) variant in TYR has been reported in 4 hete rozygous, 1 homozygous and 7 compound heterozygous individuals with Oculocutaneo us albinism type 1 related disorders (OCA1) (Giebel 1990, King 2003, Opitz 2004, Hutton 2008, Rooryck 2008), segregated in at least 8 family members in 2 famili es (Giebel 2003), and has been reported at pathogenic in ClinVar (Variation ID#3 772). This variant has been identified in 0.015% (10/66458) of European chromoso mes by the Exome Aggregation Consortium (ExAC; d bSNP rs28940876). Although this variant has been seen in the general population, its frequency is low enough to be consistent with a recessive carrier frequency . In summary, this variant meets criteria to be classified as pathogenic for OCA 1 in an autosomal recessive manner based upon biallelic case observations and se gregation in affected individuals.

Genetic Services Laboratory, University of Chicago
Classification: Pathogenic for Albinism, oculocutaneous, type IA. Last evaluated: 2016-02-03. Review status: criteria provided, single submitter. Criteria: ACMG Guidelines, 2015. Collection method: clinical testing. Allele origin: germline. Affected: yes.

Eurofins Ntd Llc (ga)
Classification: Pathogenic. Last evaluated: 2015-04-03. Review status: criteria provided, single submitter. Criteria: EGL Classification Definitions 2015. Collection method: clinical testing. Allele origin: germline. Observed: 1 variant allele, 1 heterozygote.

NIHR Bioresource Rare Diseases, University of Cambridge
Classification: Likely pathogenic for Albinism. Last evaluated: 2015-01-01. Review status: no assertion criteria provided. Collection method: research. Allele origin: unknown. Affected: yes. Observed: 1 variant allele. Not counted in ClinVar's aggregate classification.

OMIM
Classification: Pathogenic for ALBINISM, OCULOCUTANEOUS, TYPE IB. Last evaluated: 1991-07-01. Review status: no assertion criteria provided. Collection method: literature only. Allele origin: germline. Not counted in ClinVar's aggregate classification.

Retina International
No classification provided. Review status: no classification provided. Collection method: not provided. Allele origin: unknown. Not counted in ClinVar's aggregate classification.

Literature cited by the submitters: PubMed 13680365 (cited by 4 submitters); PubMed 18463683 (cited by 5 submitters); PubMed 28451379 (cited by 4 submitters); PubMed 1970634 (cited by 7 submitters); PubMed 8434585 (cited by Labcorp Genetics (formerly Invitae), Labcorp and Molecular Genetics, Royal Melbourne Hospital); PubMed 10987646 (cited by Labcorp Genetics (formerly Invitae), Labcorp); PubMed 29345414 (cited by Labcorp Genetics (formerly Invitae), Labcorp); PubMed 8477259 (cited by Women's Health and Genetics/Laboratory Corporation of America, LabCorp); PubMed 12753405 (cited by Illumina Laboratory Services, Illumina); PubMed 1903591 (cited by Illumina Laboratory Services, Illumina and OMIM); PubMed 18326704 (cited by Laboratory for Molecular Medicine, Mass General Brigham Personalized Medicine); PubMed 15146472 (cited by Laboratory for Molecular Medicine, Mass General Brigham Personalized Medicine); PubMed 18821858 (cited by Laboratory for Molecular Medicine, Mass General Brigham Personalized Medicine); PubMed 28041643 (cited by NIHR Bioresource Rare Diseases, University of Cambridge); PubMed 7849740 (cited by OMIM); PubMed 1832718 (cited by OMIM).